The following is an entry in ClinVar:

ClinVar aggregate classification (germline): Uncertain significance (1 of 4 stars; one submission).

Submission:

GeneDx
Classification: Uncertain significance. Last evaluated: 2023-12-07. Review status: criteria provided, single submitter. Criteria: GeneDx Variant Classification Process June 2021. Collection method: clinical testing. Allele origin: germline. Affected: yes.
Comment: Not observed at significant frequency in large population cohorts (gnomAD); In silico analysis supports that this missense variant does not alter protein structure/function; Has not been previously published as pathogenic or benign to our knowledge

NM_024757.5(EHMT1):c.607G>A (p.Ala203Thr)

Gene: EHMT1 (euchromatic histone lysine methyltransferase 1; plus strand). Cytogenetic location: 9q34.3.
Variant type: single nucleotide variant.
Coding change: c.607G>A on transcript NM_024757.5 (MANE Select); coding-DNA position 607, G replaced by A.
Protein change: p.Ala203Thr; replaces alanine 203 with threonine.
Molecular consequence: missense variant.
Genome position (GRCh38, 1-based): chr9:137,717,147, G>A. VCF-style: chr9-137717147-G-A. GRCh37 (hg19) VCF-style: chr9-140611599-G-A.
Other names: c.607G>A, p.Ala203Thr (NM_001145527.2, NM_001354263.2, NM_001354611.2); c.514G>A, p.Ala172Thr (NM_001354259.2, NM_001354612.2); short protein forms A172T, A203T.
Identifiers: ClinVar variation 3252290 (VCV003252290.1), dbSNP rs2541039557.